The following is an entry in ClinVar:

ClinVar aggregate classification (germline): Uncertain significance. Review status: criteria provided, multiple submitters, no conflicts (2 of 4 stars). 2 submissions from 2 submitters: Uncertain significance (2). Last evaluated 2023-10-11.

Conditions:
Cardiovascular phenotype. Identifiers: MedGen CN230736.
Alstrom syndrome (ALMS). Identifiers: Orphanet 64, MedGen C0268425, MONDO:0008763, OMIM 203800.

gnomAD v4.1: 1 of 1,613,998 alleles (0.000062%); no homozygotes.

Submissions (2):

Ambry Genetics
Classification: Uncertain significance for Cardiovascular phenotype. Last evaluated: 2023-10-11. Review status: criteria provided, single submitter. Criteria: Ambry Variant Classification Scheme 2023. Collection method: clinical testing. Allele origin: germline.
Comment: The p.F1534L variant (also known as c.4602C>A), located in coding exon 8 of the ALMS1 gene, results from a C to A substitution at nucleotide position 4602. The phenylalanine at codon 1534 is replaced by leucine, an amino acid with highly similar properties. This amino acid position is well conserved in available vertebrate species. In addition, this alteration is predicted to be tolerated by in silico analysis. Since supporting evidence is limited at this time, the clinical significance of this alteration remains unclear.

Labcorp Genetics (formerly Invitae), Labcorp
Classification: Uncertain significance for Alstrom syndrome. Last evaluated: 2022-01-17. Review status: criteria provided, single submitter. Criteria: Invitae Variant Classification Sherloc (09022015). Collection method: clinical testing. Allele origin: germline.
Comment: This sequence change replaces phenylalanine, which is neutral and non-polar, with leucine, which is neutral and non-polar, at codon 1534 of the ALMS1 protein (p.Phe1534Leu). This variant is not present in population databases (gnomAD no frequency). This variant has not been reported in the literature in individuals affected with ALMS1-related conditions. Experimental studies and prediction algorithms are not available or were not evaluated, and the functional significance of this variant is currently unknown. In summary, the available evidence is currently insufficient to determine the role of this variant in disease. Therefore, it has been classified as a Variant of Uncertain Significance.

NM_001378454.1(ALMS1):c.4599C>A (p.Phe1533Leu)

Gene: ALMS1 (ALMS1 centrosome and basal body associated protein; plus strand). Cytogenetic location: 2p13.1.
Variant type: single nucleotide variant.
Coding change: c.4599C>A on transcript NM_001378454.1 (MANE Select); coding-DNA position 4599, C replaced by A.
Protein change: p.Phe1533Leu; replaces phenylalanine 1533 with leucine.
Molecular consequence: missense variant.
Genome position (GRCh38, 1-based): chr2:73,451,126, C>A. VCF-style: chr2-73451126-C-A. GRCh37 (hg19) VCF-style: chr2-73678253-C-A.
Other names: c.4602C>A, p.Phe1534Leu (NM_015120.4); short protein forms F1533L, F1534L.
Identifiers: ClinVar variation 1907702 (VCV001907702.3), dbSNP rs2466102139, ClinGen allele CA347278874.